The following continues an entry in ClinVar:

NM_001267550.2(TTN):c.45083-10A>G

ClinVar aggregate classification (germline): Benign/Likely benign. Benign (15); Likely benign (4).

Submissions 22 to 33 of 33:

Diagnostic Laboratory, Department of Genetics, University Medical Center Groningen
Classification: Likely benign. Review status: no assertion criteria provided. Collection method: clinical testing. Allele origin: germline. Affected: yes. Study: VKGL Data-share Consensus. Not counted in ClinVar's aggregate classification.

Dr. Peter K. Rogan Lab, Western University
No classification provided (evidence only). Condition: Lung cancer. Review status: no classification provided. Collection method: in vitro. Allele origin: not applicable. Functional consequence: retained intron. Not counted in ClinVar's aggregate classification.

Dr. Peter K. Rogan Lab, Western University
No classification provided (evidence only). Condition: Cervical cancer. Review status: no classification provided. Collection method: in vitro. Allele origin: not applicable. Functional consequence: retained intron. Not counted in ClinVar's aggregate classification.

Dr. Peter K. Rogan Lab, Western University
No classification provided (evidence only). Condition: Gastric cancer. Review status: no classification provided. Collection method: in vitro. Allele origin: not applicable. Functional consequence: retained intron. Not counted in ClinVar's aggregate classification.

Dr. Peter K. Rogan Lab, Western University
No classification provided (evidence only). Condition: Malignant tumor of esophagus. Review status: no classification provided. Collection method: in vitro. Allele origin: not applicable. Functional consequence: retained intron. Not counted in ClinVar's aggregate classification.

Dr. Peter K. Rogan Lab, Western University
No classification provided (evidence only). Condition: Malignant tumor of esophagus. Review status: no classification provided. Collection method: in vitro. Allele origin: not applicable. Functional consequence: retained intron. Not counted in ClinVar's aggregate classification.

Dr. Peter K. Rogan Lab, Western University
No classification provided (evidence only). Condition: Lymphoma. Review status: no classification provided. Collection method: in vitro. Allele origin: not applicable. Functional consequence: retained intron. Not counted in ClinVar's aggregate classification.

Dr. Peter K. Rogan Lab, Western University
No classification provided (evidence only). Condition: Lymphoma. Review status: no classification provided. Collection method: in vitro. Allele origin: not applicable. Functional consequence: retained intron. Not counted in ClinVar's aggregate classification.

Genetic Services Laboratory, University of Chicago
Classification: Likely benign for AllHighlyPenetrant. Review status: no assertion criteria provided. Collection method: clinical testing. Allele origin: germline. Not counted in ClinVar's aggregate classification.
Comment: Likely benign based on allele frequency in 1000 Genomes Project or ESP global frequency and its presence in a patient with a rare or unrelated disease phenotype. NOT Sanger confirmed.

Genome Diagnostics Laboratory, University Medical Center Utrecht
Classification: Benign. Review status: no assertion criteria provided. Collection method: clinical testing. Allele origin: germline. Affected: yes. Study: VKGL Data-share Consensus. Not counted in ClinVar's aggregate classification.

Joint Genome Diagnostic Labs from Nijmegen and Maastricht, Radboudumc and MUMC+
Classification: Benign. Review status: no assertion criteria provided. Collection method: clinical testing. Allele origin: germline. Affected: yes. Study: VKGL Data-share Consensus. Not counted in ClinVar's aggregate classification.

Laboratory of Diagnostic Genome Analysis, Leiden University Medical Center (LUMC)
Classification: Likely benign. Review status: no assertion criteria provided. Collection method: clinical testing. Allele origin: germline. Affected: yes. Study: VKGL Data-share Consensus. Not counted in ClinVar's aggregate classification.